The following is an entry in ClinVar:

NM_003597.5(KLF11):c.*1781T>C

Gene: KLF11 (KLF transcription factor 11; plus strand). Cytogenetic location: 2p25.1.
Variant type: single nucleotide variant.
Coding change: c.*1781T>C on transcript NM_003597.5 (MANE Select); 1781 bases downstream of the stop codon, T replaced by C.
Molecular consequence: 3 prime UTR variant.
Genome position (GRCh38, 1-based): chr2:10,054,288, T>C. VCF-style: chr2-10054288-T-C. GRCh37 (hg19) VCF-style: chr2-10194415-T-C.
Other names: c.*1781T>C (NM_001177716.2, NM_001177718.2).
Identifiers: ClinVar variation 330673 (VCV000330673.6), dbSNP rs6722205, ClinGen allele CA10610936.

ClinVar aggregate classification (germline): Benign. Review status: criteria provided, multiple submitters, no conflicts (2 of 4 stars). 2 submissions from 2 submitters: Benign (2). Last evaluated 2018-01-12.

Conditions:
Maturity-onset diabetes of the young type 7 (MODY7). Identifiers: Orphanet 552, MedGen C1864839, MONDO:0012513, OMIM 610508.

Allele frequency attached by ClinVar (database versions not stated): gnomAD 0.02624 and 0.02856; 1000 Genomes Project 0.02656; 1000 Genomes Project 30x 0.02811; TOPMed 0.02964.

Submissions (2):

Illumina Laboratory Services, Illumina
Classification: Benign for Maturity-onset diabetes of the young type 7. Last evaluated: 2018-01-12. Review status: criteria provided, single submitter. Criteria: ICSL Variant Classification Criteria 13 December 2019. Collection method: clinical testing. Allele origin: germline.
Comment: This variant was observed in the ICSL laboratory as part of a predisposition screen in an ostensibly healthy population. It had not been previously curated by ICSL or reported in the Human Gene Mutation Database (HGMD: prior to June 1st, 2018), and was therefore a candidate for classification through an automated scoring system. Utilizing variant allele frequency, disease prevalence and penetrance estimates, and inheritance mode, an automated score was calculated to assess if this variant is too frequent to cause the disease. Based on the score and internal cut-off values, a variant classified as benign is not then subjected to further curation. The score for this variant resulted in a classification of benign for this disease.

Breakthrough Genomics
Classification: Benign. Review status: criteria provided, single submitter. Criteria: ACMG Guidelines, 2015. Collection method: not provided. Allele origin: germline. Inheritance: Unknown mechanism. Affected: yes.